The following is an entry in ClinVar:

ClinVar aggregate classification (germline): Uncertain significance (1 of 4 stars; one submission).

Conditions:
Predisposition to invasive fungal disease due to CARD9 deficiency (IMD103). Also called: IMMUNODEFICIENCY 103, SUSCEPTIBILITY TO FUNGAL INFECTIONS; CARD9 IMMUNODEFICIENCY; Candidiasis, familial, 2, autosomal recessive. Identifiers: Orphanet 457088, MedGen C1859353, MONDO:0008905, OMIM 212050.

Submission:

Labcorp Genetics (formerly Invitae), Labcorp
Classification: Uncertain significance for Predisposition to invasive fungal disease due to CARD9 deficiency. Last evaluated: 2022-06-13. Review status: criteria provided, single submitter. Criteria: Invitae Variant Classification Sherloc (09022015). Collection method: clinical testing. Allele origin: germline.
Comment: In summary, the available evidence is currently insufficient to determine the role of this variant in disease. Therefore, it has been classified as a Variant of Uncertain Significance. Algorithms developed to predict the effect of missense changes on protein structure and function are either unavailable or do not agree on the potential impact of this missense change (SIFT: "Deleterious"; PolyPhen-2: "Possibly Damaging"; Align-GVGD: "Class C0"). This variant has not been reported in the literature in individuals affected with CARD9-related conditions. This variant is not present in population databases (gnomAD no frequency). This sequence change replaces threonine, which is neutral and polar, with arginine, which is basic and polar, at codon 526 of the CARD9 protein (p.Thr526Arg).

NM_052813.5(CARD9):c.1577C>G (p.Thr526Arg)

Gene: CARD9 (caspase recruitment domain family member 9; minus strand). Cytogenetic location: 9q34.3.
Variant type: single nucleotide variant.
Coding change: c.1577C>G on transcript NM_052813.5 (MANE Select); coding-DNA position 1577, C replaced by G.
Protein change: p.Thr526Arg; replaces threonine 526 with arginine.
Molecular consequence: missense variant. On other transcripts: intron variant (1).
Genome position (GRCh38, 1-based): chr9:136,364,336, G>C on the plus strand (C>G on the coding strand, the complement: CARD9 is on the minus strand). VCF-style: chr9-136364336-G-C. GRCh37 (hg19) VCF-style: chr9-139258788-G-C.
Other names: c.1442-174C>G (NM_052814.4); short protein forms T526R.
Identifiers: ClinVar variation 1461407 (VCV001461407.8), dbSNP rs1162006405, ClinGen allele CA375540718.